The following is an entry in ClinVar:

ClinVar aggregate classification (germline): Likely benign (1 of 4 stars; one submission).

gnomAD v4.1: 10,158 of 1,614,196 alleles (0.63%); highest among the groups gnomAD compares: Non-Finnish European, 0.75%; 37 homozygotes.

Submission:

CeGaT Center for Human Genetics Tuebingen
Classification: Likely benign. Last evaluated: 2026-05-01. Review status: criteria provided, single submitter. Criteria: CeGaT Center For Human Genetics Tuebingen Variant Classification Criteria Version 2. Collection method: clinical testing. Allele origin: germline. Affected: yes. Observed: 2 variant alleles.
Comment: RPEL1: BS2

NM_001143909.1(RPEL1):c.178C>T (p.Gln60Ter)

Gene: RPEL1 (ribulose-5-phosphate-3-epimerase like 1; plus strand). Cytogenetic location: 10q24.33.
Variant type: single nucleotide variant.
Coding change: c.178C>T on transcript NM_001143909.1 (MANE Select); coding-DNA position 178, C replaced by T.
Protein change: p.Gln60Ter; replaces glutamine 60 with a stop codon.
Molecular consequence: nonsense.
Genome position (GRCh38, 1-based): chr10:103,246,174, C>T. VCF-style: chr10-103246174-C-T. GRCh37 (hg19) VCF-style: chr10-105005931-C-T.
Other names: short protein forms Q60*.
Identifiers: ClinVar variation 4681281 (VCV004681281.5).